The following is an entry in ClinVar:

NM_015374.3(SUN2):c.482G>A (p.Arg161Gln)

Gene: SUN2 (Sad1 and UNC84 domain containing 2; minus strand). Cytogenetic location: 22q13.1.
Variant type: single nucleotide variant.
Coding change: c.482G>A on transcript NM_015374.3 (MANE Select); coding-DNA position 482, G replaced by A.
Protein change: p.Arg161Gln; replaces arginine 161 with glutamine.
Molecular consequence: missense variant. On other transcripts: intron variant (1).
Genome position (GRCh38, 1-based): chr22:38,750,263, C>T on the plus strand (G>A on the coding strand, the complement: SUN2 is on the minus strand). VCF-style: chr22-38750263-C-T. GRCh37 (hg19) VCF-style: chr22-39146268-C-T.
Other names: c.545G>A, p.Arg182Gln (NM_001199579.2, NM_001394428.1); c.482G>A, p.Arg161Gln (NM_001199580.2, NM_001394427.1, NM_001394431.1 and 9 more transcripts); c.527G>A, p.Arg176Gln (NM_001394429.1, NM_001394430.1); c.392G>A, p.Arg131Gln (NM_001394438.1); c.344G>A, p.Arg115Gln (NM_001394439.1, NM_001394440.1, NM_001394441.1); c.123-1480G>A (NM_001394443.1); short protein forms R161Q, R182Q, R131Q, R176Q, R115Q.
Identifiers: ClinVar variation 1984554 (VCV001984554.5), dbSNP rs1344825115, ClinGen allele CA411586390.
Genomic context (GRCh38, chr22:38,750,263, plus strand): 5'-CTGGGCACGGGTTGCAGCCCACCTGGCGAAGTGGCCACCATCCAGAGTAAGGAGCCCGCC[C>T]GTGAGACGGCGCTTCGGAGCCGCGAGCTGGAACTCTGCTGGTCCACATCCGAGTAGCCTG-3'
Protein context (NP_056189.1, residues 151-171): SSSRLRSAVS[Arg161Gln]AGSLLWMVAT

ClinVar aggregate classification (germline): Uncertain significance. Review status: criteria provided, multiple submitters, no conflicts (2 of 4 stars). 2 submissions from 2 submitters: Uncertain significance (2). Last evaluated 2022-12-02.

Conditions:
Emery-Dreifuss muscular dystrophy (EDMD). Also called: Scapuloperoneal syndrome, X-linked (formerly); Humeroperoneal neuromuscular disease, (formerly). Identifiers: Orphanet 261, MedGen C0410189, MONDO:0016830.

Submissions (2):

Ambry Genetics
Classification: Uncertain significance. Last evaluated: 2022-12-02. Review status: criteria provided, single submitter. Criteria: Ambry Variant Classification Scheme 2023. Collection method: clinical testing. Allele origin: germline.

Labcorp Genetics (formerly Invitae), Labcorp
Classification: Uncertain significance for Emery-Dreifuss muscular dystrophy. Last evaluated: 2022-10-04. Review status: criteria provided, single submitter. Criteria: Invitae Variant Classification Sherloc (09022015). Collection method: clinical testing. Allele origin: germline.
Comment: In summary, the available evidence is currently insufficient to determine the role of this variant in disease. Therefore, it has been classified as a Variant of Uncertain Significance. Algorithms developed to predict the effect of missense changes on protein structure and function output the following: SIFT: "Tolerated"; PolyPhen-2: "Benign"; Align-GVGD: "Class C0". The glutamine amino acid residue is found in multiple mammalian species, which suggests that this missense change does not adversely affect protein function. This variant has not been reported in the literature in individuals affected with SUN2-related conditions. This variant is present in population databases (no rsID available, gnomAD 0.002%). This sequence change replaces arginine, which is basic and polar, with glutamine, which is neutral and polar, at codon 161 of the SUN2 protein (p.Arg161Gln).